The following is an entry in ClinVar:

ClinVar aggregate classification (germline): Uncertain significance (1 of 4 stars; one submission).

Conditions:
Hajdu-Cheney syndrome (HJCYS). Also called: ACROOSTEOLYSIS WITH OSTEOPOROSIS AND CHANGES IN SKULL AND MANDIBLE; Acroosteolysis dominant type; SERPENTINE FIBULA-POLYCYSTIC KIDNEY SYNDROME. Identifiers: Orphanet 955, MedGen C0917715, MONDO:0007057, OMIM 102500.

Allele frequency attached by ClinVar (database versions not stated): gnomAD exomes below 0.00001; TOPMed below 0.00001; ExAC 0.00001.
gnomAD v4.1: 3 of 1,614,162 alleles (0.00019%); highest among the groups gnomAD compares: Admixed American, 0.0017%; no homozygotes.

Submission:

Labcorp Genetics (formerly Invitae), Labcorp
Classification: Uncertain significance for Hajdu-Cheney syndrome. Last evaluated: 2025-07-30. Review status: criteria provided, single submitter. Criteria: Invitae Variant Classification Sherloc (09022015). Collection method: clinical testing. Allele origin: germline.
Comment: This sequence change replaces asparagine, which is neutral and polar, with serine, which is neutral and polar, at codon 627 of the NOTCH2 protein (p.Asn627Ser). This variant is present in population databases (rs782440494, gnomAD 0.003%). This variant has not been reported in the literature in individuals affected with NOTCH2-related conditions. ClinVar contains an entry for this variant (Variation ID: 2869669). Invitae Evidence Modeling of protein sequence and biophysical properties (such as structural, functional, and spatial information, amino acid conservation, physicochemical variation, residue mobility, and thermodynamic stability) indicates that this missense variant is not expected to disrupt NOTCH2 protein function with a negative predictive value of 95%. In summary, the available evidence is currently insufficient to determine the role of this variant in disease. Therefore, it has been classified as a Variant of Uncertain Significance.

NM_024408.4(NOTCH2):c.1880A>G (p.Asn627Ser)

Gene: NOTCH2 (notch receptor 2; minus strand). Cytogenetic location: 1p12.
Variant type: single nucleotide variant.
Coding change: c.1880A>G on transcript NM_024408.4 (MANE Select); coding-DNA position 1880, A replaced by G.
Protein change: p.Asn627Ser; replaces asparagine 627 with serine.
Molecular consequence: missense variant.
Genome position (GRCh38, 1-based): chr1:119,963,609, T>C on the plus strand (A>G on the coding strand, the complement: NOTCH2 is on the minus strand). VCF-style: chr1-119963609-T-C. GRCh37 (hg19) VCF-style: chr1-120506232-T-C.
Other names: c.1880A>G, p.Asn627Ser (NM_001200001.2); short protein forms N627S.
Identifiers: ClinVar variation 2869669 (VCV002869669.3), dbSNP rs782440494, ClinGen allele CA1040442.